The following is an entry in ClinVar:

ClinVar aggregate classification (germline): Uncertain significance (1 of 4 stars; one submission).

Conditions:
Charcot-Marie-Tooth disease type 2. Also called: Charcot-Marie-Tooth type 2. Identifiers: Orphanet 64746, MedGen C0270914, MONDO:0018993.

Submission:

Labcorp Genetics (formerly Invitae), Labcorp
Classification: Uncertain significance for Charcot-Marie-Tooth disease type 2. Last evaluated: 2021-10-03. Review status: criteria provided, single submitter. Criteria: Invitae Variant Classification Sherloc (09022015). Collection method: clinical testing. Allele origin: germline.
Comment: Algorithms developed to predict the effect of missense changes on protein structure and function (SIFT, PolyPhen-2, Align-GVGD) all suggest that this variant is likely to be disruptive. In summary, the available evidence is currently insufficient to determine the role of this variant in disease. Therefore, it has been classified as a Variant of Uncertain Significance. This variant has not been reported in the literature in individuals affected with LMNA-related conditions. This variant is not present in population databases (ExAC no frequency). This sequence change replaces leucine with glutamine at codon 263 of the LMNA protein (p.Leu263Gln). The leucine residue is highly conserved and there is a moderate physicochemical difference between leucine and glutamine.

NM_170707.4(LMNA):c.788T>A (p.Leu263Gln)

Gene: LMNA (lamin A/C; plus strand). Cytogenetic location: 1q22.
Variant type: single nucleotide variant.
Coding change: c.788T>A on transcript NM_170707.4 (MANE Select); coding-DNA position 788, T replaced by A.
Protein change: p.Leu263Gln; replaces leucine 263 with glutamine.
Molecular consequence: missense variant.
Genome position (GRCh38, 1-based): chr1:156,134,953, T>A. VCF-style: chr1-156134953-T-A. GRCh37 (hg19) VCF-style: chr1-156104744-T-A.
Other names: c.452T>A, p.Leu151Gln (NM_001257374.3); c.545T>A, p.Leu182Gln (NM_001282624.2); c.788T>A, p.Leu263Gln (NM_001282625.2, NM_001282626.2, NM_005572.4 and 1 more transcripts); short protein forms L263Q, L151Q, L182Q.
Identifiers: ClinVar variation 1522498 (VCV001522498.6), dbSNP rs267607625, ClinGen allele CA342817409.